The following is an entry in ClinVar:

ClinVar aggregate classification (germline): Likely benign (1 of 4 stars; one submission).

Allele frequency attached by ClinVar (database versions not stated): ExAC 0.00002; gnomAD exomes 0.00002.
gnomAD v4.1: 104 of 1,613,768 alleles (0.0064%); highest among the groups gnomAD compares: Non-Finnish European, 0.0082%; no homozygotes.

Submission:

CeGaT Center for Human Genetics Tuebingen
Classification: Likely benign. Last evaluated: 2024-03-01. Review status: criteria provided, single submitter. Criteria: CeGaT Center For Human Genetics Tuebingen Variant Classification Criteria Version 2. Collection method: clinical testing. Allele origin: germline. Affected: yes. Observed: 2 variant alleles.
Comment: RTN2: BP4

NM_005619.5(RTN2):c.461C>T (p.Thr154Met)

Genes: OPA3-RTN2 (OPA3-RTN2 readthrough; minus strand), RTN2 (reticulon 2; minus strand). Cytogenetic location: 19q13.32.
Variant type: single nucleotide variant.
Coding change: c.461C>T on transcript NM_005619.5 (MANE Select); coding-DNA position 461, C replaced by T.
Protein change: p.Thr154Met; replaces threonine 154 with methionine.
Molecular consequence: missense variant.
Genome position (GRCh38, 1-based): chr19:45,494,624, G>A on the plus strand (C>T on the coding strand, the complement: RTN2 is on the minus strand). VCF-style: chr19-45494624-G-A. GRCh37 (hg19) VCF-style: chr19-45997882-G-A.
Other names: c.461C>T, p.Thr154Met (NM_206900.3); short protein forms T154M.
Identifiers: ClinVar variation 1694928 (VCV001694928.31), dbSNP rs761153006, ClinGen allele CA9516252.